The following is an entry in ClinVar:

ClinVar aggregate classification (germline): Uncertain significance. Review status: criteria provided, multiple submitters, no conflicts (2 of 4 stars). 2 submissions from 2 submitters: Uncertain significance (2). Last evaluated 2025-10-24.

Conditions:
Hereditary spastic paraplegia 11. Also called: Spastic paraplegia, mental retardation and thin corpus callosum; SPASTIC PARAPLEGIA, AUTOSOMAL RECESSIVE, COMPLICATED, WITH THIN CORPUS CALLOSUM; SPASTIC PARAPLEGIA, AUTOSOMAL RECESSIVE, WITH MENTAL IMPAIRMENT AND THIN CORPUS CALLOSUM; Nakamura Osame syndrome; Autosomal recessive hereditary spastic paraplegia, mental impairment, and thin corpus callosum; Spastic Paraplegia 11. Identifiers: Orphanet 2822, MedGen C1858479, MONDO:0011445, OMIM 604360.
Inborn genetic diseases. Identifiers: MedGen C0950123, MeSH D030342.

Allele frequency attached by ClinVar (database versions not stated): TOPMed below 0.00001.

Submissions (2):

Ambry Genetics
Classification: Uncertain significance for Inborn genetic diseases. Last evaluated: 2025-10-24. Review status: criteria provided, single submitter. Criteria: Ambry Variant Classification Scheme 2023. Collection method: clinical testing. Allele origin: germline.

Labcorp Genetics (formerly Invitae), Labcorp
Classification: Uncertain significance for Hereditary spastic paraplegia 11. Last evaluated: 2021-08-30. Review status: criteria provided, single submitter. Criteria: Invitae Variant Classification Sherloc (09022015). Collection method: clinical testing. Allele origin: germline.
Comment: This sequence change replaces proline with alanine at codon 1158 of the SPG11 protein (p.Pro1158Ala). The proline residue is moderately conserved and there is a small physicochemical difference between proline and alanine. This variant is not present in population databases (ExAC no frequency). This variant has not been reported in the literature in individuals affected with SPG11-related conditions. Algorithms developed to predict the effect of missense changes on protein structure and function are either unavailable or do not agree on the potential impact of this missense change (SIFT: "Tolerated"; PolyPhen-2: "Possibly Damaging"; Align-GVGD: "Class C0"). In summary, the available evidence is currently insufficient to determine the role of this variant in disease. Therefore, it has been classified as a Variant of Uncertain Significance.

NM_025137.4(SPG11):c.3472C>G (p.Pro1158Ala)

Gene: SPG11 (SPG11 vesicle trafficking associated, spatacsin; minus strand). Cytogenetic location: 15q21.1.
Variant type: single nucleotide variant.
Coding change: c.3472C>G on transcript NM_025137.4 (MANE Select); coding-DNA position 3472, C replaced by G.
Protein change: p.Pro1158Ala; replaces proline 1158 with alanine.
Molecular consequence: missense variant.
Genome position (GRCh38, 1-based): chr15:44,606,073, G>C on the plus strand (C>G on the coding strand, the complement: SPG11 is on the minus strand). VCF-style: chr15-44606073-G-C. GRCh37 (hg19) VCF-style: chr15-44898271-G-C.
Other names: c.3472C>G, p.Pro1158Ala (NM_001160227.2); short protein forms P1158A.
Identifiers: ClinVar variation 574556 (VCV000574556.7), dbSNP rs750011115, ClinGen allele CA392223861.